The following is an entry in ClinVar:

ClinVar aggregate classification (germline): Uncertain significance (1 of 4 stars; one submission).

Submission:

Labcorp Genetics (formerly Invitae), Labcorp
Classification: Uncertain significance. Last evaluated: 2024-07-08. Review status: criteria provided, single submitter. Criteria: Invitae Variant Classification Sherloc (09022015). Collection method: clinical testing. Allele origin: germline.
Comment: This sequence change replaces aspartic acid, which is acidic and polar, with valine, which is neutral and non-polar, at codon 601 of the CTNNA1 protein (p.Asp601Val). This variant is not present in population databases (gnomAD no frequency). This variant has not been reported in the literature in individuals affected with CTNNA1-related conditions. ClinVar contains an entry for this variant (Variation ID: 1391539). Advanced modeling of protein sequence and biophysical properties (such as structural, functional, and spatial information, amino acid conservation, physicochemical variation, residue mobility, and thermodynamic stability) performed at Invitae indicates that this missense variant is not expected to disrupt CTNNA1 protein function with a negative predictive value of 80%. In summary, the available evidence is currently insufficient to determine the role of this variant in disease. Therefore, it has been classified as a Variant of Uncertain Significance.

NM_001903.5(CTNNA1):c.1802A>T (p.Asp601Val)

Gene: CTNNA1 (catenin alpha 1; plus strand). Cytogenetic location: 5q31.2.
Variant type: single nucleotide variant.
Coding change: c.1802A>T on transcript NM_001903.5 (MANE Select); coding-DNA position 1802, A replaced by T.
Protein change: p.Asp601Val; replaces aspartic acid 601 with valine.
Molecular consequence: missense variant.
Genome position (GRCh38, 1-based): chr5:138,925,310, A>T. VCF-style: chr5-138925310-A-T. GRCh37 (hg19) VCF-style: chr5-138260999-A-T.
Other names: c.1802A>T, p.Asp601Val (NM_001290307.3, NM_001323982.2, NM_001323983.1 and 2 more transcripts); c.1493A>T, p.Asp498Val (NM_001290309.3); c.1433A>T, p.Asp478Val (NM_001290310.3); c.692A>T, p.Asp231Val (NM_001290312.1, NM_001323987.1, NM_001323988.1 and 17 more transcripts); c.1709A>T, p.Asp570Val (NM_001323986.2); c.353A>T, p.Asp118Val (NM_001324006.1, NM_001324007.1, NM_001324008.1 and 2 more transcripts); c.599A>T, p.Asp200Val (NM_001324011.1); c.449A>T, p.Asp150Val (NM_001324012.1, NM_001324013.1); short protein forms D498V, D570V, D118V, D231V, D478V, D601V, D150V, D200V.
Identifiers: ClinVar variation 1391539 (VCV001391539.8), dbSNP rs2150294858, ClinGen allele CA361132236.